The following is an entry in ClinVar:

ClinVar aggregate classification (germline): Pathogenic. Review status: criteria provided, multiple submitters, no conflicts (2 of 4 stars). 2 submissions from 2 submitters: Pathogenic (2). Last evaluated 2026-02-23.

Conditions:
RAB23-related Carpenter syndrome. Also called: ACPS II; Carpenter syndrome 1. Identifiers: Orphanet 65759, MedGen C4551510, MONDO:0008710, OMIM 201000.

Submissions (2):

Dasa
Classification: Pathogenic. Last evaluated: 2026-02-23. Review status: criteria provided, single submitter. Criteria: DASA Assertion Criteria. Collection method: clinical testing. Allele origin: germline.
Comment: NM_016277.5(RAB23):c.362_363insG (p.Asn121Lysfs*4) introduces a premature termination codon predicted to result in loss of normal protein function. Loss-of-function is an established mechanism of disease for this gene. This variant has been reported in an affected individual with related phenotype in a genotype context consistent with recessive disease (PMID: 21412941). The variant is present at low frequency in population datasets. Based on the available data, this variant is classified as pathogenic.

Natera, Inc.
Classification: Pathogenic for Carpenter syndrome 1. Last evaluated: 2025-10-06. Review status: criteria provided, single submitter. Criteria: Natera Variant Classification Schema (03/2026). Collection method: clinical testing. Allele origin: germline.
Comment: The c.362_363insG variant in RAB23 is a frameshift variant predicted to shift the reading frame beginning at codon 121 and leads to a stop codon 4 codons downstream. This variant is expected to result in nonsense mediated decay, truncation, or a dysfunctional protein product. This variant is rare in the general population with a frequency below the threshold expected for the associated phenotype(s). This variant has been observed in one or more individuals affected with the associated recessive disease, as either homozygous or compound heterozygous with a second variant (PMID: 21412941). Given the available evidence, this variant is classified as Pathogenic.

Literature cited by the submitters: PubMed 21412941 (cited by Dasa and Natera, Inc.).

NM_016277.5(RAB23):c.362_363insG (p.Asn121fs)

Gene: RAB23 (RAB23, member RAS oncogene family; minus strand). Cytogenetic location: 6p12.1.
Variant type: Insertion.
Coding change: c.362_363insG on transcript NM_016277.5 (MANE Select); coding-DNA positions 362 to 363, G inserted.
Protein change: p.Asn121fs; shifts the reading frame from asparagine 121.
Molecular consequence: frameshift variant.
Genome position: GRCh38 VCF-style: chr6-57196485-G-GC. GRCh37 (hg19) VCF-style: chr6-57061283-G-GC.
Other names: c.362_363insG, p.Asn121fs (NM_001278666.2, NM_001278667.2, NM_001278668.2 and 1 more transcripts); short protein forms N121fs.
Identifiers: ClinVar variation 4060661 (VCV004060661.3).
Genomic context (GRCh38, chr6:57,196,485, plus strand): 5'-CCTTCCCCAAAAGTAGCCATCTTACTTCTTTATACAAGAATCATCCAGAAGATCAATCTT[G>GC]TTTTGCACAAGTACAGTTGGTATATCTCCCACTTCGGCTACTACTTTCTCTCTCCAACTG-3'